The following is an entry in ClinVar:

ClinVar aggregate classification (germline): Likely benign. Review status: criteria provided, multiple submitters, no conflicts (2 of 4 stars). 3 submissions from 3 submitters: Likely benign (3). Last evaluated 2026-08-01.

Conditions:
Atypical hemolytic-uremic syndrome. Identifiers: Orphanet 2134, MedGen C2931788, MONDO:0016244.

Allele frequency attached by ClinVar (database versions not stated): 1000 Genomes Project 30x 0.00125; 1000 Genomes Project 0.00140; TOPMed 0.00312; gnomAD 0.00377; ExAC 0.00397; ESP Exome Variant Server 0.00423.
gnomAD v4.1: 7,692 of 1,613,916 alleles (0.48%); highest among the groups gnomAD compares: Non-Finnish European, 0.55%; 39 homozygotes.

Submissions (3):

CeGaT Center for Human Genetics Tuebingen
Classification: Likely benign. Last evaluated: 2026-08-01. Review status: criteria provided, single submitter. Criteria: CeGaT Center For Human Genetics Tuebingen Variant Classification Criteria Version 2. Collection method: clinical testing. Allele origin: germline. Affected: yes. Observed: 7 variant alleles.
Comment: CFHR2: BP4, BS2

Mayo Clinic Laboratories, Mayo Clinic
Classification: Likely benign. Last evaluated: 2025-12-12. Review status: criteria provided, single submitter. Criteria: ACMG Guidelines, 2015. Collection method: clinical testing. Allele origin: germline. Observed: 16 variant alleles.
Comment: BP1, BP4

Genome Diagnostics Laboratory, The Hospital for Sick Children
Classification: Likely benign for Atypical hemolytic-uremic syndrome. Last evaluated: 2019-10-01. Review status: criteria provided, single submitter. Criteria: ACMG Guidelines, 2015. Collection method: clinical testing. Allele origin: germline.

Literature cited by the submitters: PubMed 32890900 (cited by Mayo Clinic Laboratories, Mayo Clinic).

NM_005666.4(CFHR2):c.212C>T (p.Thr71Met)

Gene: CFHR2 (complement factor H related 2; plus strand). Cytogenetic location: 1q31.3.
Variant type: single nucleotide variant.
Coding change: c.212C>T on transcript NM_005666.4 (MANE Select); coding-DNA position 212, C replaced by T.
Protein change: p.Thr71Met; replaces threonine 71 with methionine.
Molecular consequence: missense variant. On other transcripts: intron variant (1).
Genome position (GRCh38, 1-based): chr1:196,949,608, C>T. VCF-style: chr1-196949608-C-T. GRCh37 (hg19) VCF-style: chr1-196918738-C-T.
Other names: p.Thr71Met; c.58+5670C>T (NM_001312672.1); short protein forms T71M.
Identifiers: ClinVar variation 1712465 (VCV001712465.27), dbSNP rs144096230, ClinGen allele CA1307342.